The following is an entry in ClinVar:

NM_003392.7(WNT5A):c.419_420insTC (p.Val141fs)

Gene: WNT5A (Wnt family member 5A; minus strand). Cytogenetic location: 3p14.3.
Variant type: Insertion.
Coding change: c.419_420insTC on transcript NM_003392.7 (MANE Select); coding-DNA positions 419 to 420, TC inserted.
Protein change: p.Val141fs; shifts the reading frame from valine 141.
Molecular consequence: frameshift variant.
Genome position: GRCh38 VCF-style: chr3-55474601-C-CGA. GRCh37 (hg19) VCF-style: chr3-55508629-C-CGA.
Other names: c.374_375insTC, p.Val126fs (NM_001256105.1, NM_001377271.1, NM_001377272.1); short protein forms V126fs, V141fs.
Identifiers: ClinVar variation 2444765 (VCV002444765.1), dbSNP rs2471286505, ClinGen allele CA2580070332.
Genomic context (GRCh38, chr3:55,474,601, plus strand): 5'-GGACAGCTCGCCCTCGCGGCACGCCCGGCTCATGGCGTTCACCACCCCTGCTGCGCTCAC[C>CGA]GCGTATGTGAAGGCCGTCTCGCGGCTGCCTGTGGGTGAGGACAAGGGATCACTGGCCGCC-3'

ClinVar aggregate classification (germline): Uncertain significance (1 of 4 stars; one submission).

Submission:

GeneDx
Classification: Uncertain significance. Last evaluated: 2022-09-16. Review status: criteria provided, single submitter. Criteria: GeneDx Variant Classification Process June 2021. Collection method: clinical testing. Allele origin: germline. Affected: yes.
Comment: Not observed at significant frequency in large population cohorts (gnomAD); Frameshift variant predicted to result in protein truncation or nonsense mediated decay in a gene or region of a gene for which loss of function is not a well-established mechanism of disease; Has not been previously published as pathogenic or benign to our knowledge